The following is an entry in ClinVar:

ClinVar aggregate classification (germline): Conflicting classifications of pathogenicity. Review status: criteria provided, conflicting classifications (1 of 4 stars). 2 submissions from 2 submitters: Uncertain significance (1); Benign (1). Last evaluated 2025-11-10.

Allele frequency attached by ClinVar (database versions not stated): TOPMed below 0.00001; gnomAD 0.00001; gnomAD exomes below 0.00001.
gnomAD v4.1: 5 of 1,613,212 alleles (0.00031%); highest among the groups gnomAD compares: South Asian, 0.0011%; no homozygotes.

Submissions (2):

Labcorp Genetics (formerly Invitae), Labcorp
Classification: Benign. Last evaluated: 2025-11-10. Review status: criteria provided, single submitter. Criteria: Invitae Variant Classification Sherloc (09022015). Collection method: clinical testing. Allele origin: germline.

GeneDx
Classification: Uncertain significance. Last evaluated: 2025-04-25. Review status: criteria provided, single submitter. Criteria: GeneDx Variant Classification Process June 2021. Collection method: clinical testing. Allele origin: germline. Affected: yes.
Comment: Not observed at significant frequency in large population cohorts (gnomAD); In silico analysis indicates that this missense variant does not alter protein structure/function; Has not been previously published as pathogenic or benign to our knowledge

NM_002074.5(GNB1):c.943G>A (p.Val315Ile)

Gene: GNB1 (G protein subunit beta 1; minus strand). Cytogenetic location: 1p36.33.
Variant type: single nucleotide variant.
Coding change: c.943G>A on transcript NM_002074.5 (MANE Select); coding-DNA position 943, G replaced by A.
Protein change: p.Val315Ile; replaces valine 315 with isoleucine.
Molecular consequence: missense variant.
Genome position (GRCh38, 1-based): chr1:1,787,411, C>T on the plus strand (G>A on the coding strand, the complement: GNB1 is on the minus strand). VCF-style: chr1-1787411-C-T. GRCh37 (hg19) VCF-style: chr1-1718850-C-T.
Other names: c.643G>A, p.Val215Ile (NM_001282538.2); c.943G>A, p.Val315Ile (NM_001282539.2); c.943G>A (NM_002074.4); short protein forms V215I, V315I.
Identifiers: ClinVar variation 2972098 (VCV002972098.4), dbSNP rs1646420881, ClinGen allele CA337902221.
Genomic context (GRCh38, chr1:1,787,411, plus strand): 5'-AGCTATCCCAGGACCCTGTCGCCACAGCCATGCCATCGTCAGTCACGCCCAGGCAGCTGA[C>T]GCGGTTGTCATGCCCAGCCAAGACACCTGGGAGCAAACAACAGCAGAATCACACCAAAGC-3'
Protein context (NP_002065.1, residues 305-325): AGVLAGHDNR[Val315Ile]SCLGVTDDGM